The following is an entry in ClinVar:

NM_004621.6(TRPC6):c.172C>T (p.Arg58Trp)

Gene: TRPC6 (transient receptor potential cation channel subfamily C member 6; minus strand). Cytogenetic location: 11q22.1.
Variant type: single nucleotide variant.
Coding change: c.172C>T on transcript NM_004621.6 (MANE Select); coding-DNA position 172, C replaced by T.
Protein change: p.Arg58Trp; replaces arginine 58 with tryptophan.
Molecular consequence: missense variant.
Genome position (GRCh38, 1-based): chr11:101,504,797, G>A on the plus strand (C>T on the coding strand, the complement: TRPC6 is on the minus strand). VCF-style: chr11-101504797-G-A. GRCh37 (hg19) VCF-style: chr11-101375528-G-A.
Other names: short protein forms R58W.
Identifiers: ClinVar variation 301913 (VCV000301913.18), dbSNP rs117273916, ClinGen allele CA6244578.

ClinVar aggregate classification (germline): Conflicting classifications of pathogenicity. Review status: criteria provided, conflicting classifications (1 of 4 stars). 6 submissions from 6 submitters: Uncertain significance (1); Benign (2); Likely benign (3). Last evaluated 2025-10-27.

Conditions:
Inborn genetic diseases. Identifiers: MedGen C0950123, MeSH D030342.
Focal segmental glomerulosclerosis 2 (FSGS2). Identifiers: Orphanet 656, MedGen C1858915, MONDO:0011390, OMIM 603965.

Allele frequency attached by ClinVar (database versions not stated): TOPMed 0.00062; ESP Exome Variant Server 0.00077; 1000 Genomes Project 0.00080; gnomAD 0.00082 and 0.00084; gnomAD exomes 0.00093; 1000 Genomes Project 30x 0.00094; ExAC 0.00120.
gnomAD v4.1: 1,980 of 1,611,412 alleles (0.12%); highest among the groups gnomAD compares: Non-Finnish European, 0.14%; 4 homozygotes.

Submissions (6):

Labcorp Genetics (formerly Invitae), Labcorp
Classification: Likely benign. Last evaluated: 2025-10-27. Review status: criteria provided, single submitter. Criteria: Invitae Variant Classification Sherloc (09022015). Collection method: clinical testing. Allele origin: germline.

Blueprint Genetics
Classification: Likely benign. Last evaluated: 2024-08-14. Review status: criteria provided, single submitter. Criteria: ACMG Guidelines, 2015. Collection method: clinical testing. Allele origin: germline.

Ambry Genetics
Classification: Likely benign for Inborn genetic diseases. Last evaluated: 2024-06-17. Review status: criteria provided, single submitter. Criteria: Ambry Variant Classification Scheme 2023. Collection method: clinical testing. Allele origin: germline.

Athena Diagnostics
Classification: Benign. Last evaluated: 2019-12-27. Review status: criteria provided, single submitter. Criteria: Athena Diagnostics Criteria. Collection method: clinical testing. Allele origin: unknown.

Illumina Laboratory Services, Illumina
Classification: Benign for Focal segmental glomerulosclerosis 2. Last evaluated: 2018-01-12. Review status: criteria provided, single submitter. Criteria: ICSL Variant Classification Criteria 13 December 2019. Collection method: clinical testing. Allele origin: germline.
Comment: This variant was observed in the ICSL laboratory as part of a predisposition screen in an ostensibly healthy population. It had not been previously curated by ICSL or reported in the Human Gene Mutation Database (HGMD: prior to June 1st, 2018), and was therefore a candidate for classification through an automated scoring system. Utilizing variant allele frequency, disease prevalence and penetrance estimates, and inheritance mode, an automated score was calculated to assess if this variant is too frequent to cause the disease. Based on the score and internal cut-off values, a variant classified as benign is not then subjected to further curation. The score for this variant resulted in a classification of benign for this disease.

Precision Medicine Center, Zhengzhou University
Classification: Uncertain significance for Focal segmental glomerulosclerosis 2. Review status: criteria provided, single submitter. Criteria: ACMG Guidelines, 2015. Collection method: research. Allele origin: germline. Affected: yes.
Comment: BP4:Multiple lines of computational evidence suggest no impact

Literature cited by the submitters: PubMed 26127002 (cited by Athena Diagnostics); PubMed 27573339 (cited by Athena Diagnostics).